The following is an entry in ClinVar:

NM_001374385.1(ATP8B1):c.1264G>C (p.Asp422His)

Gene: ATP8B1 (ATPase phospholipid transporting 8B1; minus strand). Cytogenetic location: 18q21.31.
Variant type: single nucleotide variant.
Coding change: c.1264G>C on transcript NM_001374385.1 (MANE Select); coding-DNA position 1264, G replaced by C.
Protein change: p.Asp422His; replaces aspartic acid 422 with histidine.
Molecular consequence: missense variant.
Genome position (GRCh38, 1-based): chr18:57,688,464, C>G on the plus strand (G>C on the coding strand, the complement: ATP8B1 is on the minus strand). VCF-style: chr18-57688464-C-G. GRCh37 (hg19) VCF-style: chr18-55355696-C-G.
Other names: c.1114G>C, p.Asp372His (NM_001374386.1); c.1264G>C, p.Asp422His (NM_005603.6); short protein forms D372H, D422H.
Identifiers: ClinVar variation 3339421 (VCV003339421.2).

ClinVar aggregate classification (germline): Uncertain significance. Review status: criteria provided, multiple submitters, no conflicts (2 of 4 stars). 2 submissions from 2 submitters: Uncertain significance (2). Last evaluated 2026-04-14.

Conditions:
Familial intrahepatic cholestasis. Identifiers: Orphanet 284385, MedGen CN296401, MONDO:0017290.

Submissions (2):

Genomenon, Inc
Classification: Uncertain significance for Familial intrahepatic cholestasis. Last evaluated: 2026-04-14. Review status: criteria provided, single submitter. Criteria: Genomenon Sequence Variant Interpretation Standards - Updated. Collection method: curation. Allele origin: germline. Affected: yes.
Comment: ATP8B1 p.Asp422His (c.1264G>C) is a missense variant that changes the amino acid at residue 422 from Aspartic acid to Histidine. This variant has been observed in at least one proband with features of ATP8B1-deficiency (PMID:26382629). It is absent or not present at a significant frequency in gnomAD. In silico models predict that this variant is possibly or probably damaging. In conclusion, we classify ATP8B1 p.Asp422His (c.1264G>C) as a variant of uncertain significance.

Women's Health and Genetics/Laboratory Corporation of America, LabCorp
Classification: Uncertain significance. Last evaluated: 2024-07-22. Review status: criteria provided, single submitter. Criteria: LabCorp Variant Classification Summary - May 2015. Collection method: clinical testing. Allele origin: germline.
Comment: Variant summary: ATP8B1 c.1264G>C (p.Asp422His) results in a non-conservative amino acid change in the encoded protein sequence. Three of three in-silico tools predict a damaging effect of the variant on protein function. The variant was absent in 251442 control chromosomes. The available data on variant occurrences in the general population are insufficient to allow any conclusion about variant significance. c.1264G>C has been reported in the literature in at-least one individual affected with Intrahepatic Cholestasis (example: Li_2015, Wang_2016, vanWessel_2021). These report(s) do not provide unequivocal conclusions about association of the variant with Familial Intrahepatic Cholestasis. To our knowledge, no experimental evidence demonstrating an impact on protein function has been reported. The following publications have been ascertained in the context of this evaluation (PMID: 26382629, 27050426, 33666275). No submitters have cited clinical-significance assessments for this variant to ClinVar. Based on the evidence outlined above, the variant was classified as uncertain significance.

Literature cited by the submitters: PubMed 26382629 (cited by Genomenon, Inc and Women's Health and Genetics/Laboratory Corporation of America, LabCorp); PubMed 27050426 (cited by Women's Health and Genetics/Laboratory Corporation of America, LabCorp); PubMed 33666275 (cited by Women's Health and Genetics/Laboratory Corporation of America, LabCorp).